The following is an entry in ClinVar:

NM_005138.3(SCO2):c.727C>T (p.Arg243Trp)

Genes: NCAPH2 (non-SMC condensin II complex subunit H2; plus strand), SCO2 (synthesis of cytochrome C oxidase 2; minus strand). Cytogenetic location: 22q13.33.
Variant type: single nucleotide variant.
Coding change: c.727C>T on transcript NM_005138.3 (MANE Select); coding-DNA position 727, C replaced by T.
Protein change: p.Arg243Trp; replaces arginine 243 with tryptophan.
Molecular consequence: missense variant. On other transcripts: 3 prime UTR variant (2).
Genome position (GRCh38, 1-based): chr22:50,523,685, G>A on the plus strand (C>T on the coding strand, the complement: SCO2 is on the minus strand). VCF-style: chr22-50523685-G-A. GRCh37 (hg19) VCF-style: chr22-50962114-G-A.
Other names: c.*310G>A (NM_001185011.2, NM_152299.4); c.727C>T, p.Arg243Trp (NM_001169109.2, NM_001169110.1, NM_001169111.2); short protein forms R243W.
Identifiers: ClinVar variation 1497419 (VCV001497419.5), dbSNP rs760717208, ClinGen allele CA10321131.

ClinVar aggregate classification (germline): Uncertain significance. Review status: criteria provided, multiple submitters, no conflicts (2 of 4 stars). 2 submissions from 2 submitters: Uncertain significance (2). Last evaluated 2024-10-25.

Conditions:
Inborn genetic diseases. Identifiers: MedGen C0950123, MeSH D030342.

Allele frequency attached by ClinVar (database versions not stated): gnomAD 0.00001; TOPMed 0.00001.
gnomAD v4.1: 30 of 1,614,026 alleles (0.0019%); highest among the groups gnomAD compares: Admixed American, 0.017%; no homozygotes.

Submissions (2):

Labcorp Genetics (formerly Invitae), Labcorp
Classification: Uncertain significance. Last evaluated: 2024-10-25. Review status: criteria provided, single submitter. Criteria: Invitae Variant Classification Sherloc (09022015). Collection method: clinical testing. Allele origin: germline.
Comment: This sequence change replaces arginine, which is basic and polar, with tryptophan, which is neutral and slightly polar, at codon 243 of the SCO2 protein (p.Arg243Trp). This variant is present in population databases (rs760717208, gnomAD 0.02%). This variant has not been reported in the literature in individuals affected with SCO2-related conditions. ClinVar contains an entry for this variant (Variation ID: 1497419). Invitae Evidence Modeling of protein sequence and biophysical properties (such as structural, functional, and spatial information, amino acid conservation, physicochemical variation, residue mobility, and thermodynamic stability) has been performed for this missense variant. However, the output from this modeling did not meet the statistical confidence thresholds required to predict the impact of this variant on SCO2 protein function. In summary, the available evidence is currently insufficient to determine the role of this variant in disease. Therefore, it has been classified as a Variant of Uncertain Significance.

Ambry Genetics
Classification: Uncertain significance for Inborn genetic diseases. Last evaluated: 2024-04-04. Review status: criteria provided, single submitter. Criteria: Ambry Variant Classification Scheme 2023. Collection method: clinical testing. Allele origin: germline.